The following is an entry in ClinVar:

ClinVar aggregate classification (germline): Uncertain significance. Review status: criteria provided, multiple submitters, no conflicts (2 of 4 stars). 2 submissions from 2 submitters: Uncertain significance (2). Last evaluated 2025-08-06.

Conditions:
Inborn genetic diseases. Identifiers: MedGen C0950123, MeSH D030342.

Allele frequency attached by ClinVar (database versions not stated): TOPMed 0.00002; ExAC 0.00003; gnomAD 0.00003; gnomAD exomes 0.00004.
gnomAD v4.1: 59 of 1,611,602 alleles (0.0037%); highest among the groups gnomAD compares: Admixed American, 0.005%; no homozygotes.

Submissions (2):

Labcorp Genetics (formerly Invitae), Labcorp
Classification: Uncertain significance. Last evaluated: 2025-08-06. Review status: criteria provided, single submitter. Criteria: Invitae Variant Classification Sherloc (09022015). Collection method: clinical testing. Allele origin: germline.
Comment: This sequence change replaces arginine, which is basic and polar, with glutamine, which is neutral and polar, at codon 945 of the SRCAP protein (p.Arg945Gln). This variant is present in population databases (rs753967498, gnomAD 0.009%). This variant has not been reported in the literature in individuals affected with SRCAP-related conditions. ClinVar contains an entry for this variant (Variation ID: 2973736). Invitae Evidence Modeling of protein sequence and biophysical properties (such as structural, functional, and spatial information, amino acid conservation, physicochemical variation, residue mobility, and thermodynamic stability) indicates that this missense variant is not expected to disrupt SRCAP protein function with a negative predictive value of 80%. In summary, the available evidence is currently insufficient to determine the role of this variant in disease. Therefore, it has been classified as a Variant of Uncertain Significance.

Ambry Genetics
Classification: Uncertain significance for Inborn genetic diseases. Last evaluated: 2025-08-05. Review status: criteria provided, single submitter. Criteria: Ambry Variant Classification Scheme 2023. Collection method: clinical testing. Allele origin: germline.

NM_006662.3(SRCAP):c.2834G>A (p.Arg945Gln)

Gene: SRCAP (Snf2 related CREBBP activator protein; plus strand). Cytogenetic location: 16p11.2.
Variant type: single nucleotide variant.
Coding change: c.2834G>A on transcript NM_006662.3 (MANE Select); coding-DNA position 2834, G replaced by A.
Protein change: p.Arg945Gln; replaces arginine 945 with glutamine.
Molecular consequence: missense variant.
Genome position (GRCh38, 1-based): chr16:30,720,178, G>A. VCF-style: chr16-30720178-G-A. GRCh37 (hg19) VCF-style: chr16-30731499-G-A.
Other names: c.2834G>A (NM_006662.2); short protein forms R945Q.
Identifiers: ClinVar variation 2973736 (VCV002973736.4), dbSNP rs753967498, ClinGen allele CA8011332.